The following is an entry in ClinVar:

ClinVar aggregate classification (germline): Pathogenic (1 of 4 stars; one submission).

Conditions:
DNA ligase IV deficiency. Identifiers: Orphanet 99812, MedGen C1847827, MONDO:0011686, OMIM 606593.

Submission:

Labcorp Genetics (formerly Invitae), Labcorp
Classification: Pathogenic for DNA ligase IV deficiency. Last evaluated: 2023-11-28. Review status: criteria provided, single submitter. Criteria: Invitae Variant Classification Sherloc (09022015). Collection method: clinical testing. Allele origin: germline.
Comment: This sequence change creates a premature translational stop signal (p.Pro809Glnfs*17) in the LIG4 gene. While this is not anticipated to result in nonsense mediated decay, it is expected to disrupt the last 103 amino acid(s) of the LIG4 protein. This variant is not present in population databases (gnomAD no frequency). This variant has not been reported in the literature in individuals affected with LIG4-related conditions. This variant disrupts a region of the LIG4 protein in which other variant(s) (p.Gln904*) have been determined to be pathogenic (PMID: 34630384). This suggests that this is a clinically significant region of the protein, and that variants that disrupt it are likely to be disease-causing. For these reasons, this variant has been classified as Pathogenic.

Literature cited by the submitters: PubMed 34630384.

NM_206937.2(LIG4):c.2426_2430del (p.Pro809fs)

Gene: LIG4 (DNA ligase 4; minus strand). Cytogenetic location: 13q33.3.
Variant type: Microsatellite.
Coding change: c.2426_2430del on transcript NM_206937.2 (MANE Select); coding-DNA positions 2426 to 2430, 5 bases deleted (CTCTC; older notation c.2426_2430delCTCTC).
Protein change: p.Pro809fs; shifts the reading frame from proline 809.
Molecular consequence: frameshift variant.
Genome position (GRCh38, 1-based): chr13:108,208,839-108,208,843, GAGAG deleted on the plus strand (CTCTC on the coding strand, the reverse complement: LIG4 is on the minus strand); deleting any 5 consecutive bases within chr13:108,208,839-108,208,848 gives the same sequence; the c. name uses the placement nearest the transcript's 3' end. VCF-style (leftmost placement, unchanged base first): chr13-108208838-TGAGAG-T. GRCh37 (hg19) VCF-style: chr13-108861186-TGAGAG-T.
Other names: c.2426_2430del, p.Pro809fs (NM_001098268.2, NM_001352598.2, NM_001352599.2 and 6 more transcripts); c.2225_2229del, p.Pro742fs (NM_001330595.2); c.2462_2466del, p.Pro821fs (NM_001352604.2); short protein forms P742fs, P809fs, P821fs.
Identifiers: ClinVar variation 2841622 (VCV002841622.3), dbSNP rs1878227240, ClinGen allele CA960044961.